The following is an entry in ClinVar:

NM_021942.6(TRAPPC11):c.2029G>C (p.Asp677His)

Gene: TRAPPC11 (trafficking protein particle complex subunit 11; plus strand). Cytogenetic location: 4q35.1.
Variant type: single nucleotide variant.
Coding change: c.2029G>C on transcript NM_021942.6 (MANE Select); coding-DNA position 2029, G replaced by C.
Protein change: p.Asp677His; replaces aspartic acid 677 with histidine.
Molecular consequence: missense variant.
Genome position (GRCh38, 1-based): chr4:183,691,451, G>C. VCF-style: chr4-183691451-G-C. GRCh37 (hg19) VCF-style: chr4-184612604-G-C.
Other names: c.2029G>C, p.Asp677His (NM_199053.3); short protein forms D677H.
Identifiers: ClinVar variation 2133208 (VCV002133208.4), dbSNP rs2476903166, ClinGen allele CA358870665.

ClinVar aggregate classification (germline): Uncertain significance (1 of 4 stars; one submission).

Conditions:
Autosomal recessive limb-girdle muscular dystrophy type R18 (LGMDR18). Also called: MUSCULAR DYSTROPHY, LIMB-GIRDLE, AUTOSOMAL RECESSIVE 18; Autosomal recessive limb-girdle muscular dystrophy type 2S; Limb-girdle muscular dystrophy, type 2S. Identifiers: Orphanet 369840, MedGen C4517996, MONDO:0014144, OMIM 615356.

Allele frequency attached by ClinVar (database versions not stated): gnomAD exomes below 0.00001.
gnomAD v4.1: 4 of 1,503,210 alleles (0.00027%); highest among the groups gnomAD compares: Non-Finnish European, 0.00027%; no homozygotes.

Submission:

Labcorp Genetics (formerly Invitae), Labcorp
Classification: Uncertain significance for Autosomal recessive limb-girdle muscular dystrophy type R18. Last evaluated: 2025-01-13. Review status: criteria provided, single submitter. Criteria: Invitae Variant Classification Sherloc (09022015). Collection method: clinical testing. Allele origin: germline.
Comment: This sequence change replaces aspartic acid, which is acidic and polar, with histidine, which is basic and polar, at codon 677 of the TRAPPC11 protein (p.Asp677His). This variant is not present in population databases (gnomAD no frequency). This variant has not been reported in the literature in individuals affected with TRAPPC11-related conditions. ClinVar contains an entry for this variant (Variation ID: 2133208). Invitae Evidence Modeling of protein sequence and biophysical properties (such as structural, functional, and spatial information, amino acid conservation, physicochemical variation, residue mobility, and thermodynamic stability) has been performed for this missense variant. However, the output from this modeling did not meet the statistical confidence thresholds required to predict the impact of this variant on TRAPPC11 protein function. In summary, the available evidence is currently insufficient to determine the role of this variant in disease. Therefore, it has been classified as a Variant of Uncertain Significance.